The following is an entry in ClinVar:

ClinVar aggregate classification (germline): Likely benign. Review status: criteria provided, multiple submitters, no conflicts (2 of 4 stars). 3 submissions from 3 submitters: Likely benign (2). 1 of the submissions does not count toward it. Last evaluated 2025-06-10.

Conditions:
GAS1-related disorder. Also called: GAS1-related condition.

Allele frequency attached by ClinVar (database versions not stated): gnomAD 0.00003; TOPMed 0.00004.
gnomAD v4.1: 44 of 1,508,190 alleles (0.0029%); highest among the groups gnomAD compares: Middle Eastern, 0.18%; 1 homozygote.

Submissions (3):

Labcorp Genetics (formerly Invitae), Labcorp
Classification: Likely benign. Last evaluated: 2025-06-10. Review status: criteria provided, single submitter. Criteria: Invitae Variant Classification Sherloc (09022015). Collection method: clinical testing. Allele origin: germline.

Blueprint Genetics
Classification: Likely benign. Last evaluated: 2024-02-19. Review status: criteria provided, single submitter. Criteria: ACMG Guidelines, 2015. Collection method: clinical testing. Allele origin: germline.

PreventionGenetics, part of Exact Sciences
Classification: Likely benign for GAS1-related condition. Last evaluated: 2024-08-22. Review status: no assertion criteria provided. Collection method: clinical testing. Allele origin: germline. Not counted in ClinVar's aggregate classification.
Comment: This variant is classified as likely benign based on ACMG/AMP sequence variant interpretation guidelines (Richards et al. 2015 PMID: 25741868, with internal and published modifications).

NM_002048.3(GAS1):c.894C>T (p.Ser298=)

Gene: GAS1 (growth arrest specific 1; minus strand). Cytogenetic location: 9q21.33.
Variant type: single nucleotide variant.
Coding change: c.894C>T on transcript NM_002048.3 (MANE Select); coding-DNA position 894, C replaced by T.
Protein change: p.Ser298=; no amino-acid change (serine 298 retained).
Molecular consequence: synonymous variant.
Genome position (GRCh38, 1-based): chr9:86,945,886, G>A on the plus strand (C>T on the coding strand, the complement: GAS1 is on the minus strand). VCF-style: chr9-86945886-G-A. GRCh37 (hg19) VCF-style: chr9-89560801-G-A.
Other names: c.894C>T (NM_002048.2).
Identifiers: ClinVar variation 2895570 (VCV002895570.5), dbSNP rs757870606, ClinGen allele CA5109374.